The following is an entry in ClinVar:

NM_018344.6(SLC29A3):c.400C>T (p.Arg134Cys)

Gene: SLC29A3 (solute carrier family 29 member 3; plus strand). Cytogenetic location: 10q22.1.
Variant type: single nucleotide variant.
Coding change: c.400C>T on transcript NM_018344.6 (MANE Select); coding-DNA position 400, C replaced by T.
Protein change: p.Arg134Cys; replaces arginine 134 with cysteine.
Molecular consequence: missense variant. On other transcripts: non-coding transcript variant (1).
Genome position (GRCh38, 1-based): chr10:71,351,578, C>T. VCF-style: chr10-71351578-C-T. GRCh37 (hg19) VCF-style: chr10-73111335-C-T.
Other names: c.400C>T, p.Arg134Cys (NM_001174098.2); c.166C>T, p.Arg56Cys (NM_001363518.2); c.400C>T (NM_018344.5); short protein forms R134C, R56C.
Identifiers: ClinVar variation 1693224 (VCV001693224.7), dbSNP rs1430557607, ClinGen allele CA377109338.

ClinVar aggregate classification (germline): Pathogenic/Likely pathogenic. Review status: criteria provided, multiple submitters, no conflicts (2 of 4 stars). 3 submissions from 3 submitters: Pathogenic (1); Likely pathogenic (2). Last evaluated 2026-04-27.

Conditions:
SLC29A3-related disorder. Also called: SLC29A3-related condition.
H syndrome. Also called: Histiocytosis with joint contractures and sensorineural deafness; FAISALABAD HISTIOCYTOSIS; Pigmented hypertrichosis and insulin-dependent diabetes mellitus; Asrar Facharzt Haque syndrome; HISTIOCYTOSIS AND LYMPHADENOPATHY WITH OR WITHOUT CUTANEOUS, CARDIAC, AND/OR ENDOCRINE FEATURES, JOINT CONTRACTURES, AND/OR DEAFNESS; HYPERPIGMENTATION, CUTANEOUS, WITH HYPERTRICHOSIS, HEPATOSPLENOMEGALY, HEART ANOMALIES, AND HYPOGONADISM WITH OR WITHOUT HEARING LOSS. Identifiers: Orphanet 168569, MedGen C1864445, MONDO:0011273, OMIM 602782.

Allele frequency attached by ClinVar (database versions not stated): gnomAD exomes 0.00001; TOPMed 0.00002; gnomAD 0.00003.

Submissions (3):

PreventionGenetics, part of Exact Sciences
Classification: Likely pathogenic for SLC29A3-related condition. Last evaluated: 2026-04-27. Review status: criteria provided, single submitter. Criteria: ACMG Guidelines, 2015. Collection method: clinical testing. Allele origin: germline.
Comment: The SLC29A3 c.400C>T variant is predicted to result in the amino acid substitution p.Arg134Cys. This variant has been reported in the homozygous state in multiple individuals with H syndrome (described as p.Arg133Cys, Priya et al. 2010. PubMed ID: 20199539; Shankarappa et al. 2011. PubMed ID: 22679148; Mohanan et al. 2013. PubMed ID: 23789599; Deshpande et al. 2015. PubMed ID: 25967258; Amalnath et al. 2023. PubMed ID: 37529453). This variant is reported in 0.0098% of alleles in individuals of South Asian descent in gnomAD. An alternate missense substitution affecting the same amino acid position (p.Arg134His) has also been reported in individuals with H syndrome (Al-Haggar et al. 2014. PubMed ID: 24894595; Table S2, Abolhassani et al. 2024. PubMed ID: 38374194). In summary, the c.400C>T (p.Arg134Cys) variant is interpreted as likely pathogenic.

Kasturba Medical College, Manipal, Kasturba Medical College, Manipal, Manipal Academy of Higher Education, Manipal, India
Classification: Likely pathogenic for H syndrome. Last evaluated: 2025-11-07. Review status: criteria provided, single submitter. Criteria: ACMG Guidelines, 2015. Collection method: clinical testing. Allele origin: germline. Inheritance: Autosomal recessive inheritance. Affected: yes.
Comment: Additionally, a known missense variant c.400C>T p.(Arg134Cys) in exon 4 of SLC29A3 (NM_018344.6) was identified in homozygous state in proband (Mohanan et al., 2013). Biallelic variants in SLC29A3 are known to cause histiocytosis-lymphadenopathy plus syndrome (MIM #602782). This variant is present in fourteen individuals in heterozygous state and is absent in homozygous state in gnomAD (v4.1.0). It is also present in three affected individuals in homozygous state and one individual in heterozygous state in our in-house database of 3502 exomes. In silico analysis tools (REVEL, CADD_phred) are consistent in predicting the variant as damaging to SLC29A3 protein function.

Labcorp Genetics (formerly Invitae), Labcorp
Classification: Pathogenic for H syndrome. Last evaluated: 2024-07-01. Review status: criteria provided, single submitter. Criteria: Invitae Variant Classification Sherloc (09022015). Collection method: clinical testing. Allele origin: germline.
Comment: This sequence change replaces arginine, which is basic and polar, with cysteine, which is neutral and slightly polar, at codon 134 of the SLC29A3 protein (p.Arg134Cys). This variant is present in population databases (no rsID available, gnomAD 0.01%). This missense change has been observed in individuals with histiocytosis-lymphadenopathy plus syndrome (PMID: 20199539, 22679148, 23789599, 25967258, 37529453). ClinVar contains an entry for this variant (Variation ID: 1693224). Advanced modeling of protein sequence and biophysical properties (such as structural, functional, and spatial information, amino acid conservation, physicochemical variation, residue mobility, and thermodynamic stability) has been performed at Invitae for this missense variant, however the output from this modeling did not meet the statistical confidence thresholds required to predict the impact of this variant on SLC29A3 protein function. This variant disrupts the p.Arg134 amino acid residue in SLC29A3. Other variant(s) that disrupt this residue have been determined to be pathogenic (PMID: 24894595). This suggests that this residue is clinically significant, and that variants that disrupt this residue are likely to be disease-causing. For these reasons, this variant has been classified as Pathogenic.

Literature cited by the submitters: PubMed 23789599 (cited by Kasturba Medical College, Manipal, Kasturba Medical College, Manipal, Manipal Academy of Higher Education, Manipal, India and Labcorp Genetics (formerly Invitae), Labcorp); PubMed 20199539 (cited by Labcorp Genetics (formerly Invitae), Labcorp); PubMed 22679148 (cited by Labcorp Genetics (formerly Invitae), Labcorp); PubMed 25967258 (cited by Labcorp Genetics (formerly Invitae), Labcorp); PubMed 37529453 (cited by Labcorp Genetics (formerly Invitae), Labcorp); PubMed 24894595 (cited by Labcorp Genetics (formerly Invitae), Labcorp).